The following is an entry in ClinVar:

ClinVar aggregate classification (germline): Conflicting classifications of pathogenicity. Review status: criteria provided, conflicting classifications (1 of 4 stars). 4 submissions from 4 submitters: Uncertain significance (2); Benign (1); Likely benign (1). Last evaluated 2025-10-17.

Conditions:
RAI1-related disorder. Also called: RAI1-related condition.
Inborn genetic diseases. Identifiers: MedGen C0950123, MeSH D030342.
Smith-Magenis syndrome (SMS). Also called: CHROMOSOME 17p11.2 DELETION SYNDROME. Identifiers: Orphanet 819, MedGen C0795864, MONDO:0008434, OMIM 182290.

Allele frequency attached by ClinVar (database versions not stated): gnomAD exomes 0.00001; ExAC 0.00002; TOPMed 0.00005; ESP Exome Variant Server 0.00008; gnomAD 0.00009.
gnomAD v4.1: 27 of 1,611,296 alleles (0.0017%); highest among the groups gnomAD compares: Middle Eastern, 0.049%; no homozygotes.

Submissions (4):

PreventionGenetics, part of Exact Sciences
Classification: Uncertain significance for RAI1-related condition. Last evaluated: 2025-10-17. Review status: criteria provided, single submitter. Criteria: ACMG Guidelines, 2015. Collection method: clinical testing. Allele origin: germline.
Comment: The RAI1 c.3883C>T variant is predicted to result in the amino acid substitution p.Pro1295Ser. To our knowledge, this variant has not been reported in the literature. This variant is reported in 0.028% of alleles in individuals of African descent in gnomAD, which may be too frequent to be a primary cause of disease. Although we suspect that this variant may be benign, the clinical significance of this variant is currently classified as uncertain due to the absence of conclusive functional and genetic evidence.

Labcorp Genetics (formerly Invitae), Labcorp
Classification: Benign. Last evaluated: 2025-03-29. Review status: criteria provided, single submitter. Criteria: Invitae Variant Classification Sherloc (09022015). Collection method: clinical testing. Allele origin: germline.

Ambry Genetics
Classification: Likely benign for Inborn genetic diseases. Last evaluated: 2024-12-12. Review status: criteria provided, single submitter. Criteria: Ambry Variant Classification Scheme 2023. Collection method: clinical testing. Allele origin: germline.

Baylor Genetics
Classification: Uncertain significance for Smith-Magenis syndrome. Last evaluated: 2019-03-02. Review status: criteria provided, single submitter. Criteria: ACMG Guidelines, 2015. Collection method: clinical testing. Allele origin: maternal. Affected: yes.
Comment: This variant was determined to be of uncertain significance according to ACMG Guidelines, 2015 [PMID:25741868].

NM_030665.4(RAI1):c.3883C>T (p.Pro1295Ser)

Gene: RAI1 (retinoic acid induced 1; plus strand). Cytogenetic location: 17p11.2.
Variant type: single nucleotide variant.
Coding change: c.3883C>T on transcript NM_030665.4 (MANE Select); coding-DNA position 3883, C replaced by T.
Protein change: p.Pro1295Ser; replaces proline 1295 with serine.
Molecular consequence: missense variant.
Genome position (GRCh38, 1-based): chr17:17,796,831, C>T. VCF-style: chr17-17796831-C-T. GRCh37 (hg19) VCF-style: chr17-17700145-C-T.
Other names: short protein forms P1295S.
Identifiers: ClinVar variation 1028897 (VCV001028897.11), dbSNP rs372337877, ClinGen allele CA8418850.
Genomic context (GRCh38, chr17:17,796,831, plus strand): 5'-TCTCCCAAGAAAGCCAAGCCCACCAAGGGCAATGGCGAGCCTGCCACAAAGCTCCCACCC[C>T]CGGAGACCCCCGATGCCTGCCTCAAGCTCGCCTCTCGGGCAGCCTTCCAGGGGGCCATGA-3'
Protein context (NP_109590.3, residues 1285-1305): NGEPATKLPP[Pro1295Ser]ETPDACLKLA